The following is an entry in ClinVar:

ClinVar aggregate classification (germline): Pathogenic (0 of 4 stars; one submission).

Conditions:
Dyskeratosis congenita, autosomal dominant 1 (DKCA1). Also called: Dyskeratosis congenita Scoggins type. Identifiers: Orphanet 1775, MedGen C4551974, MONDO:0007485, OMIM 127550. Inheritance: Variable.

Submission:

GeneReviews
Classification: Pathogenic for Dyskeratosis Congenita. Last evaluated: 2012-05-10. Review status: no assertion criteria provided. Collection method: curation. Allele origin: unknown.
ClinVar note: Converted during submission from pathologic to Pathogenic.

NR_001566.3(TERC):n.211_224delCCTGCGGCGGGTCG

Genes: TERC (telomerase RNA component; minus strand), LOC110806306 (telomerase RNA component (TERC) promoter; plus strand). Cytogenetic location: 3q26.2.
Variant type: Deletion.
Genome position: GRCh38 VCF-style: chr3-169764831-GGCAGGCGACCCGCC-G. GRCh37 (hg19) VCF-style: chr3-169482619-GGCAGGCGACCCGCC-G.
Other names: NR_001566.1:r.216_229del14 (Del 216-229).
Identifiers: ClinVar variation 39285 (VCV000039285.3), dbSNP rs199422278, ClinGen allele CA343757.
Genomic context (GRCh38, chr3:169,764,831, plus strand): 5'-GTGGGTGCCTCCGGAGAAGCCCCGGGCCGACCGCGGCCTCCAGGCGGGGTTCGGGGGCTG[GGCAGGCGACCCGCC>G]GCAGGTCCCCGGGAGGGGCGAACGGGCCAGCAGCTGACATTTTTTGTTTGCTCTAGAATG-3'